The following is an entry in ClinVar:

ClinVar aggregate classification (germline): Uncertain significance (1 of 4 stars; one submission).

Conditions:
Ataxia-telangiectasia syndrome (AT). Also called: LOUIS-BAR SYNDROME; Cerebello-oculocutaneous telangiectasia; Immunodeficiency with ataxia telangiectasia; Ataxia-telangiectasia, complementation group D; AT, COMPLEMENTATION GROUP C; Ataxia-telangiectasia, complementation group E. Identifiers: Orphanet 100, MedGen C0004135, MONDO:0008840, OMIM 208900.

Submission:

Labcorp Genetics (formerly Invitae), Labcorp
Classification: Uncertain significance for Ataxia-telangiectasia syndrome. Last evaluated: 2019-11-16. Review status: criteria provided, single submitter. Criteria: Invitae Variant Classification Sherloc (09022015). Collection method: clinical testing. Allele origin: germline.
Comment: In summary, this variant is a novel missense change with uncertain impact on protein function. It has been classified as a Variant of Uncertain Significance. Algorithms developed to predict the effect of missense changes on protein structure and function do not agree on the potential impact of this missense change (SIFT: "Deleterious"; PolyPhen-2: "Benign"; Align-GVGD: "Class C65"). This variant is not present in population databases (ExAC no frequency) and has not been reported in the literature in individuals with a ATM-related disease. This sequence change replaces leucine with arginine at codon 2455 of the ATM protein (p.Leu2455Arg). The leucine residue is highly conserved and there is a moderate physicochemical difference between leucine and arginine.

NM_000051.4(ATM):c.7364T>G (p.Leu2455Arg)

Genes: ATM (ATM serine/threonine kinase; plus strand), C11orf65 (chromosome 11 open reading frame 65; minus strand). Cytogenetic location: 11q22.3.
Variant type: single nucleotide variant.
Coding change: c.7364T>G on transcript NM_000051.4 (MANE Select); coding-DNA position 7364, T replaced by G.
Protein change: p.Leu2455Arg; replaces leucine 2455 with arginine.
Molecular consequence: missense variant. On other transcripts: intron variant (2).
Genome position (GRCh38, 1-based): chr11:108,330,270, T>G. VCF-style: chr11-108330270-T-G. GRCh37 (hg19) VCF-style: chr11-108200997-T-G.
Other names: c.7364T>G, p.Leu2455Arg (NM_001351834.2); c.641-21199A>C (NM_001330368.2); c.*38+4950A>C (NM_001351110.2); short protein forms L2455R.
Identifiers: ClinVar variation 453679 (VCV000453679.11), dbSNP rs1555123056, ClinGen allele CA382559968.